The following is an entry in ClinVar:

ClinVar aggregate classification (germline): Uncertain significance (1 of 4 stars; one submission).

gnomAD v4.1: 1 of 1,597,384 alleles (0.000063%); highest among the groups gnomAD compares: South Asian, 0.0011%; no homozygotes.

Submission:

Labcorp Genetics (formerly Invitae), Labcorp
Classification: Uncertain significance. Last evaluated: 2024-12-31. Review status: criteria provided, single submitter. Criteria: Invitae Variant Classification Sherloc (09022015). Collection method: clinical testing. Allele origin: germline.
Comment: This sequence change replaces glycine, which is neutral and non-polar, with glutamic acid, which is acidic and polar, at codon 1792 of the RAI1 protein (p.Gly1792Glu). This variant is present in population databases (no rsID available, gnomAD 0.003%). This variant has not been reported in the literature in individuals affected with RAI1-related conditions. Invitae Evidence Modeling of protein sequence and biophysical properties (such as structural, functional, and spatial information, amino acid conservation, physicochemical variation, residue mobility, and thermodynamic stability) indicates that this missense variant is not expected to disrupt RAI1 protein function with a negative predictive value of 80%. In summary, the available evidence is currently insufficient to determine the role of this variant in disease. Therefore, it has been classified as a Variant of Uncertain Significance.

NM_030665.4(RAI1):c.5375G>A (p.Gly1792Glu)

Gene: RAI1 (retinoic acid induced 1; plus strand). Cytogenetic location: 17p11.2.
Variant type: single nucleotide variant.
Coding change: c.5375G>A on transcript NM_030665.4 (MANE Select); coding-DNA position 5375, G replaced by A.
Protein change: p.Gly1792Glu; replaces glycine 1792 with glutamic acid.
Molecular consequence: missense variant.
Genome position (GRCh38, 1-based): chr17:17,798,323, G>A. VCF-style: chr17-17798323-G-A. GRCh37 (hg19) VCF-style: chr17-17701637-G-A.
Other names: short protein forms G1792E.
Identifiers: ClinVar variation 3663111 (VCV003663111.2).
Genomic context (GRCh38, chr17:17,798,323, plus strand): 5'-GTGCCCGGGGCCTGTCCCGGAGGCTGCAGAGCTGCTACTGCTGTGATGGCCGGGAGGATG[G>A]GGGCGAGGAGGCAGCCCCAGCCGACAAGGGTCGCAAACATGAGTGCAGCAAGGAGGCTCC-3'
Protein context (NP_109590.3, residues 1782-1802): SCYCCDGRED[Gly1792Glu]GEEAAPADKG